The following is an entry in ClinVar:

ClinVar aggregate classification (germline): Likely pathogenic (1 of 4 stars; one submission).

Submission:

Labcorp Genetics (formerly Invitae), Labcorp
Classification: Likely pathogenic. Last evaluated: 2025-01-07. Review status: criteria provided, single submitter. Criteria: Invitae Variant Classification Sherloc (09022015). Collection method: clinical testing. Allele origin: germline.
Comment: This sequence change affects a donor splice site in intron 3 of the CLTC gene. It is expected to disrupt RNA splicing. Variants that disrupt the donor or acceptor splice site typically lead to a loss of protein function (PMID: 16199547), and loss-of-function variants in CLTC are known to be pathogenic (PMID: 29100083). This variant is not present in population databases (gnomAD no frequency). This variant has not been reported in the literature in individuals affected with CLTC-related conditions. Algorithms developed to predict the effect of sequence changes on RNA splicing suggest that this variant may disrupt the consensus splice site. In summary, the currently available evidence indicates that the variant is pathogenic, but additional data are needed to prove that conclusively. Therefore, this variant has been classified as Likely Pathogenic.

Literature cited by the submitters: PubMed 16199547; PubMed 29100083.

NM_004859.4(CLTC):c.519+2T>A

Gene: CLTC (clathrin heavy chain; plus strand). Cytogenetic location: 17q23.1.
Variant type: single nucleotide variant.
Coding change: c.519+2T>A on transcript NM_004859.4 (MANE Select); the canonical splice donor site of the intron after coding-DNA position 519, T replaced by A.
Molecular consequence: splice donor variant.
Genome position (GRCh38, 1-based): chr17:59,647,668, T>A. VCF-style: chr17-59647668-T-A. GRCh37 (hg19) VCF-style: chr17-57725029-T-A.
Other names: c.531+2T>A (NM_001288653.2).
Identifiers: ClinVar variation 3632842 (VCV003632842.2).